The following is an entry in ClinVar:

NM_001042492.3(NF1):c.2957C>T (p.Ala986Val)

Gene: NF1 (neurofibromin 1; plus strand). Cytogenetic location: 17q11.2.
Variant type: single nucleotide variant.
Coding change: c.2957C>T on transcript NM_001042492.3 (MANE Select); coding-DNA position 2957, C replaced by T.
Protein change: p.Ala986Val; replaces alanine 986 with valine.
Molecular consequence: missense variant.
Genome position (GRCh38, 1-based): chr17:31,229,941, C>T. VCF-style: chr17-31229941-C-T. GRCh37 (hg19) VCF-style: chr17-29556959-C-T.
Other names: c.2957C>T, p.Ala986Val (NM_000267.4); short protein forms A986V.
Identifiers: ClinVar variation 231871 (VCV000231871.11), dbSNP rs876659417, ClinGen allele CA10580270.

ClinVar aggregate classification (germline): Uncertain significance. Review status: criteria provided, multiple submitters, no conflicts (2 of 4 stars). 3 submissions from 3 submitters: Uncertain significance (3). Last evaluated 2025-08-06.

Conditions:
Hereditary cancer-predisposing syndrome. Also called: Hereditary Cancer Syndrome; Neoplastic Syndromes, Hereditary; Tumor predisposition; Hereditary neoplastic syndrome. Identifiers: Orphanet 140162, MedGen C0027672, MeSH D009386, MONDO:0015356.
Neurofibromatosis, type 1 (NF1). Also called: Neurofibromatosis, type I; VON RECKLINGHAUSEN DISEASE; NEUROFIBROMATOSIS, TYPE I, SOMATIC; Peripheral type neurofibromatosis. Identifiers: Orphanet 636, MedGen C0027831, MONDO:0018975, OMIM 162200. Disease mechanism: loss of function.

Submissions (3):

Labcorp Genetics (formerly Invitae), Labcorp
Classification: Uncertain significance for Neurofibromatosis, type 1. Last evaluated: 2025-08-06. Review status: criteria provided, single submitter. Criteria: Invitae Variant Classification Sherloc (09022015). Collection method: clinical testing. Allele origin: germline.
Comment: This sequence change replaces alanine, which is neutral and non-polar, with valine, which is neutral and non-polar, at codon 986 of the NF1 protein (p.Ala986Val). This variant is not present in population databases (gnomAD no frequency). This variant has not been reported in the literature in individuals affected with NF1-related conditions. ClinVar contains an entry for this variant (Variation ID: 231871). Invitae Evidence Modeling of protein sequence and biophysical properties (such as structural, functional, and spatial information, amino acid conservation, physicochemical variation, residue mobility, and thermodynamic stability) has been performed for this missense variant. However, the output from this modeling did not meet the statistical confidence thresholds required to predict the impact of this variant on NF1 protein function. In summary, the available evidence is currently insufficient to determine the role of this variant in disease. Therefore, it has been classified as a Variant of Uncertain Significance.

Genome-Nilou Lab
Classification: Uncertain significance for Neurofibromatosis, type 1. Last evaluated: 2022-03-15. Review status: criteria provided, single submitter. Criteria: ACMG Guidelines, 2015. Collection method: clinical testing. Allele origin: germline. Affected: no.

Ambry Genetics
Classification: Uncertain significance for Hereditary cancer-predisposing syndrome. Last evaluated: 2015-05-22. Review status: criteria provided, single submitter. Criteria: Ambry Autosomal Dominant and X-Linked criteria (10/2015). Collection method: clinical testing. Allele origin: germline. Observed: 1 variant allele.
Comment: The p.A986V variant (also known as c.2957C>T), located in coding exon 22 of the NF1 gene, results from a C to T substitution at nucleotide position 2957. The alanine at codon 986 is replaced by valine, an amino acid with similar properties. This variant was not reported in population based cohorts in the following databases: Database of Single Nucleotide Polymorphisms (dbSNP), NHLBI Exome Sequencing Project (ESP), and 1000 Genomes Project. In the ESP, this variant was not observed in 6500 samples (13000 alleles) with coverage at this position. To date, this alteration has been detected with an allele frequency of approximately 0.002% (greater than 55000alleles tested) in our clinical cohort.This amino acid position is highly conserved in available vertebrate species. In addition, the in silico prediction for this alteration is inconclusive.Since supporting evidence is limited at this time, the clinical significance of p.A986Vremains unclear.